The following is an entry in ClinVar:

NM_003126.4(SPTA1):c.880A>G (p.Lys294Glu)

Gene: SPTA1 (spectrin alpha, erythrocytic 1; minus strand). Cytogenetic location: 1q23.1.
Variant type: single nucleotide variant.
Coding change: c.880A>G on transcript NM_003126.4 (MANE Select); coding-DNA position 880, A replaced by G.
Protein change: p.Lys294Glu; replaces lysine 294 with glutamic acid.
Molecular consequence: missense variant.
Genome position (GRCh38, 1-based): chr1:158,677,767, T>C on the plus strand (A>G on the coding strand, the complement: SPTA1 is on the minus strand). VCF-style: chr1-158677767-T-C. GRCh37 (hg19) VCF-style: chr1-158647557-T-C.
Other names: p.Lys294Glu; c.880A>G (NM_003126.2); short protein forms K294E.
Identifiers: ClinVar variation 2436379 (VCV002436379.4), dbSNP rs759177674, ClinGen allele CA1183982.

ClinVar aggregate classification (germline): Uncertain significance. Review status: criteria provided, multiple submitters, no conflicts (2 of 4 stars). 2 submissions from 2 submitters: Uncertain significance (2). Last evaluated 2022-11-18.

Allele frequency attached by ClinVar (database versions not stated): ExAC 0.00002; TOPMed 0.00004; gnomAD 0.00005; gnomAD exomes 0.00010.
gnomAD v4.1: 149 of 1,613,640 alleles (0.0092%); highest among the groups gnomAD compares: Non-Finnish European, 0.012%; no homozygotes.

Submissions (2):

Mayo Clinic Laboratories, Mayo Clinic
Classification: Uncertain significance. Last evaluated: 2022-11-18. Review status: criteria provided, single submitter. Criteria: ACMG Guidelines, 2015. Collection method: clinical testing. Allele origin: germline. Observed: 1 variant allele.
Comment: BP4

Revvity Omics, Revvity
Classification: Uncertain significance. Last evaluated: 2022-08-04. Review status: criteria provided, single submitter. Criteria: ACMG Guidelines, 2015. Collection method: clinical testing. Allele origin: germline.